The following is an entry in ClinVar:

ClinVar aggregate classification (germline): Pathogenic. Review status: criteria provided, multiple submitters, no conflicts (2 of 4 stars). 11 submissions from 11 submitters: Pathogenic (9). 2 of the submissions do not count toward it. Last evaluated 2025-08-01.

Conditions:
Breast-ovarian cancer, familial, susceptibility to, 5 (BROVCA5). Identifiers: MedGen C5830615, MONDO:0957530, OMIM 620442.
Breast and/or ovarian cancer. Identifiers: MedGen CN221562.
Hereditary cancer-predisposing syndrome. Also called: Tumor predisposition; Hereditary neoplastic syndrome; Neoplastic Syndromes, Hereditary; Hereditary Cancer Syndrome. Identifiers: Orphanet 140162, MedGen C0027672, MeSH D009386, MONDO:0015356.
Familial cancer of breast. Also called: Hereditary breast cancer; hereditary breast carcinoma; BREAST CANCER, FAMILIAL. Identifiers: Orphanet 227535, MedGen C0346153, MONDO:0016419, OMIM 114480. Disease mechanism: loss of function.

Submissions (11):

CeGaT Center for Human Genetics Tuebingen
Classification: Pathogenic. Last evaluated: 2025-08-01. Review status: criteria provided, single submitter. Criteria: CeGaT Center For Human Genetics Tuebingen Variant Classification Criteria Version 2. Collection method: clinical testing. Allele origin: germline. Affected: yes. Observed: 1 variant allele.
Comment: PALB2: PVS1, PM2, PS4:Moderate

Institute of Human Genetics, University of Leipzig Medical Center
Classification: Pathogenic for Breast-ovarian cancer, familial, susceptibility to, 5. Last evaluated: 2025-03-24. Review status: criteria provided, single submitter. Criteria: ACMG Guidelines, 2015. Collection method: clinical testing. Allele origin: unknown. Inheritance: Autosomal dominant inheritance. Affected: yes.
Comment: Criteria applied: PVS1,PM2_SUP,PM5_SUP

Quest Diagnostics Nichols Institute San Juan Capistrano
Classification: Pathogenic. Last evaluated: 2024-12-18. Review status: criteria provided, single submitter. Criteria: Quest Diagnostics criteria. Collection method: clinical testing. Allele origin: unknown.
Comment: The PALB2 c.697del (p.Val233Leufs*5) variant alters the translational reading frame of the PALB2 mRNA and causes the premature termination of PALB2 protein synthesis. This variant has been reported in the published literature in individuals with early-onset breast cancer (PMID: 19333784 (2009)), pancreatic cancer (PMID: 27106063 (2016)), and metastatic prostate cancer (PMID: 36623239 (2023)). This variant has not been reported in large, multi-ethnic general populations (Genome Aggregation Database). Based on the available information, this variant is classified as pathogenic.

Labcorp Genetics (formerly Invitae), Labcorp
Classification: Pathogenic for Familial cancer of breast. Last evaluated: 2024-02-26. Review status: criteria provided, single submitter. Criteria: Invitae Variant Classification Sherloc (09022015). Collection method: clinical testing. Allele origin: germline.
Comment: This sequence change creates a premature translational stop signal (p.Val233Leufs*5) in the PALB2 gene. It is expected to result in an absent or disrupted protein product. Loss-of-function variants in PALB2 are known to be pathogenic (PMID: 17200668, 17200671, 17200672, 24136930, 25099575). This variant is not present in population databases (gnomAD no frequency). This premature translational stop signal has been observed in individual(s) with pancreatic cancer and breast cancer (PMID: 19333784, 27106063). ClinVar contains an entry for this variant (Variation ID: 126764). For these reasons, this variant has been classified as Pathogenic.

Myriad Genetics, Inc.
Classification: Pathogenic for Familial cancer of breast. Last evaluated: 2023-09-07. Review status: criteria provided, single submitter. Criteria: Myriad Autosomal Dominant, Autosomal Recessive and X-Linked Classification Criteria (2023). Collection method: clinical testing. Allele origin: unknown.
Comment: This variant is considered pathogenic. This variant creates a frameshift predicted to result in premature protein truncation.

Ambry Genetics
Classification: Pathogenic for Hereditary cancer-predisposing syndrome. Last evaluated: 2023-03-09. Review status: criteria provided, single submitter. Criteria: Ambry Variant Classification Scheme 2023. Collection method: clinical testing. Allele origin: germline.
Comment: The c.697delG pathogenic mutation, located in coding exon 4 of the PALB2 gene, results from a deletion of one nucleotide at nucleotide position 697, causing a translational frameshift with a predicted alternate stop codon (p.V233Lfs*5). This alteration was also reported in a cohort of 152 unselected Czech patients with pancreatic ductal adenocarcinoma and not in 1226 healthy controls (Borecka M et al. Cancer Genet, 2016 May;209:199-204). In addition to the clinical data presented in the literature, this alteration is expected to result in loss of function by premature protein truncation or nonsense-mediated mRNA decay. As such, this alteration is interpreted as a disease-causing mutation.

GeneDx
Classification: Pathogenic. Last evaluated: 2022-04-28. Review status: criteria provided, single submitter. Criteria: GeneDx Variant Classification Process June 2021. Collection method: clinical testing. Allele origin: germline. Affected: yes.
Comment: Observed in individuals with PALB2-related cancers (Sluiter 2009, Borecka 2016); Frameshift variant predicted to result in protein truncation or nonsense mediated decay in a gene for which loss of function is a known mechanism of disease; Not observed at significant frequency in large population cohorts (gnomAD); This variant is associated with the following publications: (PMID: 23935381, 20122277, 21932393, 20346647, 21165770, 19763884, 21618343, 24136930, 25099575, 17200668, 19333784, 27106063, 32295079, 20858716, 30263132)

Baylor Genetics
Classification: Pathogenic for Familial cancer of breast. Last evaluated: 2021-04-06. Review status: criteria provided, single submitter. Criteria: ACMG Guidelines, 2015. Collection method: clinical testing. Allele origin: unknown.

Color Diagnostics, LLC DBA Color Health
Classification: Pathogenic for Hereditary cancer-predisposing syndrome. Last evaluated: 2020-01-15. Review status: criteria provided, single submitter. Criteria: ACMG Guidelines, 2015. Collection method: clinical testing. Allele origin: germline.
Comment: This variant deletes 1 nucleotide in exon 4 of the PALB2 gene, creating a frameshift and premature translation stop signal. This variant is expected to result in an absent or non-functional protein product. This variant has not been identified in the general population by the Genome Aggregation Database (gnomAD). Loss of PALB2 function is a known mechanism of disease. Based on the available evidence, this variant is classified as Pathogenic.

CZECANCA consortium
Classification: Pathogenic for Breast and/or ovarian cancer. Last evaluated: 2019-06-11. Review status: no assertion criteria provided. Collection method: clinical testing. Allele origin: germline. Affected: yes. Observed: 1 variant allele. Not counted in ClinVar's aggregate classification.

Leiden Open Variation Database
Classification: Pathogenic for Familial cancer of breast. Last evaluated: 2019-05-13. Review status: no assertion criteria provided. Collection method: curation. Allele origin: germline. Affected: yes. Not counted in ClinVar's aggregate classification.
Comment: Curators: Marc Tischkowitz, Arleen D. Auerbach. Submitter to LOVD: Marc Tischkowitz.

Literature cited by the submitters: PubMed 19333784 (cited by 3 submitters); PubMed 27106063 (cited by 3 submitters); PubMed 36623239 (cited by Quest Diagnostics Nichols Institute San Juan Capistrano); PubMed 37685988 (cited by Quest Diagnostics Nichols Institute San Juan Capistrano); PubMed 23935381 (cited by Quest Diagnostics Nichols Institute San Juan Capistrano and Ambry Genetics); PubMed 21932393 (cited by Quest Diagnostics Nichols Institute San Juan Capistrano and Ambry Genetics); PubMed 21165770 (cited by Quest Diagnostics Nichols Institute San Juan Capistrano and Ambry Genetics); PubMed 20858716 (cited by Quest Diagnostics Nichols Institute San Juan Capistrano and Ambry Genetics); PubMed 19763884 (cited by Quest Diagnostics Nichols Institute San Juan Capistrano and Leiden Open Variation Database); PubMed 17200668 (cited by Labcorp Genetics (formerly Invitae), Labcorp); PubMed 17200671 (cited by Labcorp Genetics (formerly Invitae), Labcorp); PubMed 17200672 (cited by Labcorp Genetics (formerly Invitae), Labcorp); PubMed 24136930 (cited by Labcorp Genetics (formerly Invitae), Labcorp); PubMed 25099575 (cited by Labcorp Genetics (formerly Invitae), Labcorp); PubMed 32295079 (cited by CZECANCA consortium); PubMed 20122277 (cited by Leiden Open Variation Database).

NM_024675.4(PALB2):c.697del (p.Val233fs)

Gene: PALB2 (partner and localizer of BRCA2; minus strand). Cytogenetic location: 16p12.2.
Variant type: Deletion.
Coding change: c.697del on transcript NM_024675.4 (MANE Select); coding-DNA position 697, one base deleted (G; older notation c.697delG).
Protein change: p.Val233fs; shifts the reading frame from valine 233.
Molecular consequence: frameshift variant.
Genome position (GRCh38, 1-based): chr16:23,635,849, C deleted on the plus strand (G on the coding strand, the reverse complement: PALB2 is on the minus strand). VCF-style (leftmost placement, unchanged base first): chr16-23635848-AC-A. GRCh37 (hg19) VCF-style: chr16-23647169-AC-A.
Other names: c.697delG (NM_024675.4, NM_024675.3); short protein forms V233fs.
Identifiers: ClinVar variation 126764 (VCV000126764.36), dbSNP rs180177090, ClinGen allele CA331802.
Genomic context (GRCh38, chr16:23,635,848, plus strand): 5'-AGAGTCTGTAAAGGAACTGTAGTCGCCCTGGTGAAATTAGGTCTTCTTAGGAATGTATCA[AC>A]ACCTTTTTCTGGTTGGGCAGTTGGTGGAATTAATACACTGTCTTCATTAATTTCTGTAAC-3'